The following is an entry in ClinVar:

NM_001367624.2(ZNF469):c.1467G>A (p.Pro489=)

Gene: ZNF469 (zinc finger protein 469; plus strand). Cytogenetic location: 16q24.2.
Variant type: single nucleotide variant.
Coding change: c.1467G>A on transcript NM_001367624.2 (MANE Select); coding-DNA position 1467, G replaced by A.
Protein change: p.Pro489=; no amino-acid change (proline 489 retained).
Molecular consequence: synonymous variant.
Genome position (GRCh38, 1-based): chr16:88,428,937, G>A. VCF-style: chr16-88428937-G-A. GRCh37 (hg19) VCF-style: chr16-88495345-G-A.
Other names: NM_001127464.1:c.1467G>A; p.Pro489=.
Identifiers: ClinVar variation 1773280 (VCV001773280.10), dbSNP rs769822891, ClinGen allele CA8224676.

ClinVar aggregate classification (germline): Likely benign. Review status: criteria provided, multiple submitters, no conflicts (2 of 4 stars). 3 submissions from 3 submitters: Likely benign (3). Last evaluated 2025-08-26.

Conditions:
Cardiovascular phenotype. Identifiers: MedGen CN230736.

Allele frequency attached by ClinVar (database versions not stated): gnomAD 0.00005; TOPMed 0.00005.
gnomAD v4.1: 89 of 1,546,382 alleles (0.0058%); highest among the groups gnomAD compares: Non-Finnish European, 0.0069%; no homozygotes.

Submissions (3):

Labcorp Genetics (formerly Invitae), Labcorp
Classification: Likely benign. Last evaluated: 2025-08-26. Review status: criteria provided, single submitter. Criteria: Invitae Variant Classification Sherloc (09022015). Collection method: clinical testing. Allele origin: germline.

Mayo Clinic Laboratories, Mayo Clinic
Classification: Likely benign. Last evaluated: 2025-08-04. Review status: criteria provided, single submitter. Criteria: ACMG Guidelines, 2015. Collection method: clinical testing. Allele origin: germline. Observed: 1 variant allele.
Comment: BP4, BP7

Ambry Genetics
Classification: Likely benign for Cardiovascular phenotype. Last evaluated: 2021-05-24. Review status: criteria provided, single submitter. Criteria: Ambry Variant Classification Scheme 2023. Collection method: clinical testing. Allele origin: germline.